The following is an entry in ClinVar:

NM_006158.5(NEFL):c.1317C>A (p.Phe439Leu)

Gene: NEFL (neurofilament light chain; minus strand). Cytogenetic location: 8p21.2.
Variant type: single nucleotide variant.
Coding change: c.1317C>A on transcript NM_006158.5 (MANE Select); coding-DNA position 1317, C replaced by A.
Protein change: p.Phe439Leu; replaces phenylalanine 439 with leucine.
Molecular consequence: missense variant.
Genome position (GRCh38, 1-based): chr8:24,953,648, G>T on the plus strand (C>A on the coding strand, the complement: NEFL is on the minus strand). VCF-style: chr8-24953648-G-T. GRCh37 (hg19) VCF-style: chr8-24811162-G-T.
Other names: short protein forms F439L.
Identifiers: ClinVar variation 1769806 (VCV001769806.2), dbSNP rs2486881642, ClinGen allele CA370620197.

ClinVar aggregate classification (germline): Uncertain significance (1 of 4 stars; one submission).

Conditions:
Inborn genetic diseases. Identifiers: MedGen C0950123, MeSH D030342.

Allele frequency attached by ClinVar (database versions not stated): gnomAD exomes below 0.00001.

Submission:

Ambry Genetics
Classification: Uncertain significance for Inborn genetic diseases. Last evaluated: 2022-06-27. Review status: criteria provided, single submitter. Criteria: Ambry Variant Classification Scheme 2023. Collection method: clinical testing. Allele origin: germline.
Comment: The p.F439L variant (also known as c.1317C>A), located in coding exon 3 of the NEFL gene, results from a C to A substitution at nucleotide position 1317. The phenylalanine at codon 439 is replaced by leucine, an amino acid with highly similar properties. This amino acid position is conserved. In addition, the in silico prediction for this alteration is inconclusive. Since supporting evidence is limited at this time, the clinical significance of this alteration remains unclear.